The following is an entry in ClinVar:

NM_001354712.2(THRB):c.803C>A (p.Ala268Asp)

Gene: THRB (thyroid hormone receptor beta; minus strand). Cytogenetic location: 3p24.2.
Variant type: single nucleotide variant.
Coding change: c.803C>A on transcript NM_001354712.2 (MANE Select); coding-DNA position 803, C replaced by A.
Protein change: p.Ala268Asp; replaces alanine 268 with aspartic acid.
Molecular consequence: missense variant.
Genome position (GRCh38, 1-based): chr3:24,133,398, G>T on the plus strand (C>A on the coding strand, the complement: THRB is on the minus strand). VCF-style: chr3-24133398-G-T. GRCh37 (hg19) VCF-style: chr3-24174889-G-T.
Other names: c.803C>A, p.Ala268Asp (NM_000461.5, NM_001128176.3, NM_001128177.2 and 12 more transcripts); c.710C>A, p.Ala237Asp (NM_001354714.2, NM_001354715.2); short protein forms A237D, A268D.
Identifiers: ClinVar variation 2682094 (VCV002682094.3), dbSNP rs750905761, ClinGen allele CA351889764.

ClinVar aggregate classification (germline): Conflicting classifications of pathogenicity. Review status: criteria provided, conflicting classifications (1 of 4 stars). 2 submissions from 2 submitters: Pathogenic (1); Uncertain significance (1). Last evaluated 2022-07-19.

Conditions:
Selective pituitary resistance to thyroid hormone. Also called: HYPERTHYROIDISM, FAMILIAL, DUE TO INAPPROPRIATE THYROTROPIN SECRETION. Identifiers: MedGen C1840364, MONDO:0007784, OMIM 145650.
Thyroid hormone resistance, generalized, autosomal dominant (GRTHD). Also called: HYPERTHYROXINEMIA, FAMILIAL EUTHYROID, SECONDARY TO PITUITARY AND PERIPHERAL RESISTANCE TO THYROID HORMONES. Identifiers: MedGen C2937288, MONDO:0008569, OMIM 188570.
Thyroid hormone resistance, generalized, autosomal recessive (GRTHR). Also called: REFETOFF SYNDROME. Identifiers: MedGen C3489796, MONDO:0010131, OMIM 274300.

Submissions (2):

Quest Diagnostics Nichols Institute San Juan Capistrano
Classification: Pathogenic. Last evaluated: 2022-07-19. Review status: criteria provided, single submitter. Criteria: Quest Diagnostics criteria. Collection method: clinical testing. Allele origin: unknown.
Comment: The variant has not been reported in large, multi-ethnic general populations. Another missense variant in the same codon has been classified as pathogenic. A functional study indicate that this variant impacts protein function (PMID: 9707435 (1998). Additionally, this variant has been reported to be part of a cluster of mutants which inhibited wild-type THRB in a dominant negative manner (PMID: 9707435 (1998)). Based on the available information, this variant is classified as pathogenic.

Juno Genomics, Hangzhou Juno Genomics, Inc
Classification: Uncertain significance for Thyroid hormone resistance, generalized, autosomal dominant; Thyroid hormone resistance, generalized, autosomal recessive; Selective pituitary resistance to thyroid hormone. Review status: criteria provided, single submitter. Criteria: ACMG Guidelines, 2015. Collection method: clinical testing. Allele origin: germline. Affected: yes.
Comment: Absent from controls (or at extremely low frequency if recessive) in Genome Aggregation Database, Exome Sequencing Project, 1000 Genomes Project, or Exome Aggregation Consortium.;The prevalence of the variant in affected individuals is significantly increased compared to the prevalence in controls.;Multiple lines of computational evidence support a deleterious effect on the gene or gene product (conservation, evolutionary, splicing impact, etc).

Literature cited by the submitters: PubMed 34727089 (cited by Quest Diagnostics Nichols Institute San Juan Capistrano); PubMed 9707435 (cited by Quest Diagnostics Nichols Institute San Juan Capistrano).